The following is an entry in ClinVar:

NM_172107.4(KCNQ2):c.725G>A (p.Cys242Tyr)

Gene: KCNQ2 (potassium voltage-gated channel subfamily Q member 2; minus strand). Cytogenetic location: 20q13.33.
Variant type: single nucleotide variant.
Coding change: c.725G>A on transcript NM_172107.4 (MANE Select); coding-DNA position 725, G replaced by A.
Protein change: p.Cys242Tyr; replaces cysteine 242 with tyrosine.
Molecular consequence: missense variant.
Genome position (GRCh38, 1-based): chr20:63,442,497, C>T on the plus strand (G>A on the coding strand, the complement: KCNQ2 is on the minus strand). VCF-style: chr20-63442497-C-T. GRCh37 (hg19) VCF-style: chr20-62073850-C-T.
Other names: c.725G>A, p.Cys242Tyr (NM_001382235.1, NM_004518.6, NM_172106.3 and 2 more transcripts); short protein forms C242Y.
Identifiers: ClinVar variation 1683778 (VCV001683778.2), dbSNP rs2081191454, ClinGen allele CA409653989.

ClinVar aggregate classification (germline): Likely pathogenic (1 of 4 stars; one submission).

Conditions:
Developmental and epileptic encephalopathy, 7 (DEE7). Also called: KCNQ2-Related Neonatal-Onset Developmental and Epileptic Encephalopathy (NEO-DEE); Early infantile epileptic encephalopathy 7; KCNQ2-Related Neonatal Epileptic Encephalopathy. Identifiers: Orphanet 439218, MedGen C3150986, MONDO:0013387, OMIM 613720.

Submission:

Institute of Human Genetics, University of Goettingen
Classification: Likely pathogenic for Developmental and epileptic encephalopathy, 7. Last evaluated: 2022-05-13. Review status: criteria provided, single submitter. Criteria: ACMG Guidelines, 2015. Collection method: clinical testing. Allele origin: unknown. Inheritance: Autosomal dominant inheritance. Affected: yes. Observed: 1 heterozygote.
Comment: The variant c.725G>A (p.(Cys242Tyr)) in exon 5 of the KCNQ2-gene is not found in the gnomAD database, it affects a weakly conserved nucleotide, a highly conserved amino acid within a protein domain and there is a large physicochemical difference between Cys and Tyr. Also, p.Cys242Tyr is a missense mutation at an amino acid residue where another missense change determined to be pathogenic has been already described (p.Cys242Gly, PMID: 32533790). This variant has a pathogenic computational verdict based on 10 pathogenic predictions from BayesDel_addAF, DANN, DEOGEN2, FATHMM-MKL, LIST-S2, M-CAP, MVP, MutationTaster, PrimateAI and SIFT vs 2 benign predictions from EIGEN and MutationAssessor. ACMG criteria used for classification: PM1, PM2, PM5, PP2, PP3.